The following is an entry in ClinVar:

NM_002519.3(NPAT):c.1288A>G (p.Thr430Ala)

Gene: NPAT (nuclear protein, coactivator of histone transcription; minus strand). Cytogenetic location: 11q22.3.
Variant type: single nucleotide variant.
Coding change: c.1288A>G on transcript NM_002519.3 (MANE Select); coding-DNA position 1288, A replaced by G.
Protein change: p.Thr430Ala; replaces threonine 430 with alanine.
Molecular consequence: missense variant.
Genome position (GRCh38, 1-based): chr11:108,173,696, T>C on the plus strand (A>G on the coding strand, the complement: NPAT is on the minus strand). VCF-style: chr11-108173696-T-C. GRCh37 (hg19) VCF-style: chr11-108044423-T-C.
Other names: c.1288A>G, p.Thr430Ala (NM_001321307.1); short protein forms T430A.
Identifiers: ClinVar variation 1769012 (VCV001769012.2), dbSNP rs2496721880, ClinGen allele CA382515731.

ClinVar aggregate classification (germline): Uncertain significance (1 of 4 stars; one submission).

Submission:

Ambry Genetics
Classification: Uncertain significance. Last evaluated: 2022-05-01. Review status: criteria provided, single submitter. Criteria: Ambry Variant Classification Scheme 2023. Collection method: clinical testing. Allele origin: germline.
Comment: The p.T430A variant (also known as c.1288A>G), located in coding exon 13 of the NPAT gene, results from an A to G substitution at nucleotide position 1288. The threonine at codon 430 is replaced by alanine, an amino acid with similar properties. This amino acid position is conserved. In addition, this alteration is predicted to be tolerated by in silico analysis. Since supporting evidence is limited at this time, the clinical significance of this alteration remains unclear.